The following is an entry in ClinVar:

ClinVar aggregate classification (germline): Benign (1 of 4 stars; one submission).

Conditions:
Hereditary spastic paraplegia 6 (SPG6). Also called: SPASTIC PARAPLEGIA 6, AUTOSOMAL DOMINANT. Identifiers: Orphanet 100988, MedGen C1838192, MONDO:0010878, OMIM 600363.

Allele frequency attached by ClinVar (database versions not stated): gnomAD 0.02310 and 0.02437; TOPMed 0.02544; 1000 Genomes Project 0.02716.

Submission:

Illumina Laboratory Services, Illumina
Classification: Benign for Hereditary spastic paraplegia 6. Last evaluated: 2018-01-13. Review status: criteria provided, single submitter. Criteria: ICSL Variant Classification Criteria 13 December 2019. Collection method: clinical testing. Allele origin: germline.
Comment: This variant was observed in the ICSL laboratory as part of a predisposition screen in an ostensibly healthy population. It had not been previously curated by ICSL or reported in the Human Gene Mutation Database (HGMD: prior to June 1st, 2018), and was therefore a candidate for classification through an automated scoring system. Utilizing variant allele frequency, disease prevalence and penetrance estimates, and inheritance mode, an automated score was calculated to assess if this variant is too frequent to cause the disease. Based on the score and internal cut-off values, a variant classified as benign is not then subjected to further curation. The score for this variant resulted in a classification of benign for this disease.

NM_144599.5(NIPA1):c.*5299G>C

Gene: NIPA1 (NIPA magnesium transporter 1; plus strand). Cytogenetic location: 15q11.2.
Variant type: single nucleotide variant.
Coding change: c.*5299G>C on transcript NM_144599.5 (MANE Select); 5299 bases downstream of the stop codon, G replaced by C.
Molecular consequence: 3 prime UTR variant.
Genome position (GRCh38, 1-based): chr15:22,829,538, G>C. VCF-style: chr15-22829538-G-C. GRCh37 (hg19) VCF-style: chr15-23043530-C-G.
Other names: c.*5299G>C (NM_001142275.1).
Identifiers: ClinVar variation 315336 (VCV000315336.5), dbSNP rs73412682, ClinGen allele CA10635717.